The following is an entry in ClinVar:

ClinVar aggregate classification (germline): Pathogenic (1 of 4 stars; one submission).

Conditions:
Heterotopia, periventricular, X-linked dominant (PVNH1). Also called: PERIVENTRICULAR NODULAR HETEROTOPIA 4; HETEROTOPIA, PERIVENTRICULAR, 1; PERIVENTRICULAR NODULAR HETEROTOPIA 1; X-linked periventricular heterotopia. Identifiers: Orphanet 2149, Orphanet 82004, MedGen C1848213, MONDO:0010233, OMIM 300049.

Submission:

Center for Human Genetics and Genomic Medicine, Uniklinik Rwth Aachen
Classification: Pathogenic for Heterotopia, periventricular, X-linked dominant. Last evaluated: 2024-01-29. Review status: criteria provided, single submitter. Criteria: ACMG Guidelines, 2015. Collection method: clinical testing. Allele origin: de novo. Inheritance: X-linked dominant inheritance. Affected: yes. Observed: 1 heterozygote.
Comment: The detected change is not reported in the general population (gnomAD) (as of January 29, 2024). It has not yet been described in the ClinVar database or in the literature. The variant leads to the premature insertion of a stop codon. This usually leads to either premature termination of translation or so-called “nonsense-mediated mRNA decay”. In both cases this leads to a loss of function of the protein. Intolerance to haploinsufficiency has been described as the pathomechanism for the gene under investigation. It is therefore very likely that it has a pathogenetic relevance. The variant is currently considered a “pathogenic variant” (ACMG criteria).

NM_001110556.2(FLNA):c.123G>A (p.Trp41Ter)

Gene: FLNA (filamin A; minus strand). Cytogenetic location: Xq28.
Variant type: single nucleotide variant.
Coding change: c.123G>A on transcript NM_001110556.2 (MANE Select); coding-DNA position 123, G replaced by A.
Protein change: p.Trp41Ter; replaces tryptophan 41 with a stop codon.
Molecular consequence: nonsense.
Genome position (GRCh38, 1-based): chrX:154,371,123, C>T on the plus strand (G>A on the coding strand, the complement: FLNA is on the minus strand). VCF-style: chrX-154371123-C-T. GRCh37 (hg19) VCF-style: chrX-153599491-C-T.
Other names: c.123G>A, p.Trp41Ter (NM_001456.4); short protein forms W41*.
Identifiers: ClinVar variation 2920661 (VCV002920661.2), dbSNP rs2522771786, ClinGen allele CA415255471.